The following is an entry in ClinVar:

NM_003000.3(SDHB):c.697A>T (p.Lys233Ter)

Gene: SDHB (succinate dehydrogenase complex iron sulfur subunit B; minus strand). Cytogenetic location: 1p36.13.
Variant type: single nucleotide variant.
Coding change: c.697A>T on transcript NM_003000.3 (MANE Select); coding-DNA position 697, A replaced by T.
Protein change: p.Lys233Ter; replaces lysine 233 with a stop codon.
Molecular consequence: nonsense.
Genome position (GRCh38, 1-based): chr1:17,022,676, T>A on the plus strand (A>T on the coding strand, the complement: SDHB is on the minus strand). VCF-style: chr1-17022676-T-A. GRCh37 (hg19) VCF-style: chr1-17349171-T-A.
Other names: short protein forms K233*.
Identifiers: ClinVar variation 468235 (VCV000468235.8), dbSNP rs1553177285, ClinGen allele CA338270321.

ClinVar aggregate classification (germline): Pathogenic (1 of 4 stars; one submission).

Conditions:
Pheochromocytoma. Also called: MAX-Related Hereditary Paraganglioma-Pheochromocytoma Syndrome. Identifiers: Orphanet 29072, MedGen C0031511, MONDO:0008233, OMIM 171300, HP:0002666.
Pheochromocytoma/paraganglioma syndrome 4. Also called: SDHB-Related Hereditary Paraganglioma-Pheochromocytoma Syndrome (Paragangliomas 4); CAROTID BODY TUMORS AND MULTIPLE EXTRAADRENAL PHEOCHROMOCYTOMAS; PARAGANGLIOMA, FAMILIAL MALIGNANT; PARAGANGLIOMAS, HEREDITARY EXTRAADRENAL; SDHB-Related Hereditary Paraganglioma-Pheochromocytoma Syndrome; PHEOCHROMOCYTOMA, FAMILIAL EXTRAADRENAL. Identifiers: Orphanet 29072, MedGen C1861848, MONDO:0007273, OMIM 115310.
Gastrointestinal stromal tumor. Also called: Gastrointestinal stroma tumor; Gastrointestinal stromal tumor, somatic. Identifiers: Orphanet 44890, MedGen C0238198, MeSH D046152, MONDO:0011719, OMIM 606764, HP:0100723.

Submission:

Labcorp Genetics (formerly Invitae), Labcorp
Classification: Pathogenic for Gastrointestinal stromal tumor; Pheochromocytoma/paraganglioma syndrome 4; Pheochromocytoma. Last evaluated: 2022-04-26. Review status: criteria provided, single submitter. Criteria: Invitae Variant Classification Sherloc (09022015). Collection method: clinical testing. Allele origin: germline.
Comment: This sequence change creates a premature translational stop signal (p.Lys233*) in the SDHB gene. It is expected to result in an absent or disrupted protein product. Loss-of-function variants in SDHB are known to be pathogenic (PMID: 19454582, 19802898). For these reasons, this variant has been classified as Pathogenic. ClinVar contains an entry for this variant (Variation ID: 468235). This variant has not been reported in the literature in individuals affected with SDHB-related conditions. This variant is not present in population databases (gnomAD no frequency).

Literature cited by the submitters: PubMed 19454582; PubMed 19802898.